The following is an entry in ClinVar:

NM_003000.3(SDHB):c.661G>A (p.Asp221Asn)

Gene: SDHB (succinate dehydrogenase complex iron sulfur subunit B; minus strand). Cytogenetic location: 1p36.13.
Variant type: single nucleotide variant.
Coding change: c.661G>A on transcript NM_003000.3 (MANE Select); coding-DNA position 661, G replaced by A.
Protein change: p.Asp221Asn; replaces aspartic acid 221 with asparagine.
Molecular consequence: missense variant.
Genome position (GRCh38, 1-based): chr1:17,022,712, C>T on the plus strand (G>A on the coding strand, the complement: SDHB is on the minus strand). VCF-style: chr1-17022712-C-T. GRCh37 (hg19) VCF-style: chr1-17349207-C-T.
Other names: short protein forms D221N.
Identifiers: ClinVar variation 528743 (VCV000528743.7), dbSNP rs1553177288, ClinGen allele CA338270470.

ClinVar aggregate classification (germline): Uncertain significance. Review status: criteria provided, multiple submitters, no conflicts (2 of 4 stars). 2 submissions from 2 submitters: Uncertain significance (2). Last evaluated 2026-07-07.

Conditions:
Hereditary cancer-predisposing syndrome. Also called: Hereditary Cancer Syndrome; Tumor predisposition; Hereditary neoplastic syndrome; Neoplastic Syndromes, Hereditary. Identifiers: Orphanet 140162, MedGen C0027672, MeSH D009386, MONDO:0015356.
Gastrointestinal stromal tumor. Also called: Gastrointestinal stroma tumor; Gastrointestinal stromal tumor, somatic. Identifiers: Orphanet 44890, MedGen C0238198, MeSH D046152, MONDO:0011719, OMIM 606764, HP:0100723.
Pheochromocytoma/paraganglioma syndrome 4. Also called: SDHB-Related Hereditary Paraganglioma-Pheochromocytoma Syndrome (Paragangliomas 4); PARAGANGLIOMA, FAMILIAL MALIGNANT; PARAGANGLIOMAS, HEREDITARY EXTRAADRENAL; PHEOCHROMOCYTOMA, FAMILIAL EXTRAADRENAL; SDHB-Related Hereditary Paraganglioma-Pheochromocytoma Syndrome; Paragangliomas 4. Identifiers: Orphanet 29072, MedGen C1861848, MONDO:0007273, OMIM 115310.
Pheochromocytoma. Also called: MAX-Related Hereditary Paraganglioma-Pheochromocytoma Syndrome. Identifiers: Orphanet 29072, MedGen C0031511, MONDO:0008233, OMIM 171300, HP:0002666.

Submissions (2):

Ambry Genetics
Classification: Uncertain significance for Hereditary cancer-predisposing syndrome. Last evaluated: 2026-07-07. Review status: criteria provided, single submitter. Criteria: Ambry Variant Classification Scheme 2023. Collection method: clinical testing. Allele origin: germline.
Comment: The p.D221N variant (also known as c.661G>A), located in coding exon 7 of the SDHB gene, results from a G to A substitution at nucleotide position 661. The aspartic acid at codon 221 is replaced by asparagine, an amino acid with highly similar properties. This amino acid position is conserved. In addition, this alteration is predicted to be deleterious by in silico analysis. Based on the available evidence, the clinical significance of this variant remains unclear.

Labcorp Genetics (formerly Invitae), Labcorp
Classification: Uncertain significance for Gastrointestinal stromal tumor; Pheochromocytoma/paraganglioma syndrome 4; Pheochromocytoma. Last evaluated: 2024-04-22. Review status: criteria provided, single submitter. Criteria: Invitae Variant Classification Sherloc (09022015). Collection method: clinical testing. Allele origin: germline.
Comment: This sequence change replaces aspartic acid, which is acidic and polar, with asparagine, which is neutral and polar, at codon 221 of the SDHB protein (p.Asp221Asn). This variant is not present in population databases (gnomAD no frequency). This variant has not been reported in the literature in individuals affected with SDHB-related conditions. ClinVar contains an entry for this variant (Variation ID: 528743). Advanced modeling of protein sequence and biophysical properties (such as structural, functional, and spatial information, amino acid conservation, physicochemical variation, residue mobility, and thermodynamic stability) performed at Invitae indicates that this missense variant is expected to disrupt SDHB protein function with a positive predictive value of 80%. In summary, the available evidence is currently insufficient to determine the role of this variant in disease. Therefore, it has been classified as a Variant of Uncertain Significance.